The following is an entry in ClinVar:

NM_001458.5(FLNC):c.655C>T (p.Arg219Trp)

Gene: FLNC (filamin C; plus strand). Cytogenetic location: 7q32.1.
Variant type: single nucleotide variant.
Coding change: c.655C>T on transcript NM_001458.5 (MANE Select); coding-DNA position 655, C replaced by T.
Protein change: p.Arg219Trp; replaces arginine 219 with tryptophan.
Molecular consequence: missense variant.
Genome position (GRCh38, 1-based): chr7:128,837,213, C>T. VCF-style: chr7-128837213-C-T. GRCh37 (hg19) VCF-style: chr7-128477267-C-T.
Other names: c.655C>T, p.Arg219Trp (NM_001127487.2); short protein forms R219W.
Identifiers: ClinVar variation 1435553 (VCV001435553.8), dbSNP rs931787034, ClinGen allele CA166214147.
Genomic context (GRCh38, chr7:128,837,213, plus strand): 5'-TCTCCAGGTCTCTGCCCCGACTGGGAGGCCTGGGACCCCAACCAGCCCGTGGAGAACGCC[C>T]GGGAGGCCATGCAGCAGGCCGACGACTGGCTTGGGGTGCCCCAGGTACATGCGCAGATGG-3'
Protein context (NP_001449.3, residues 209-229): WDPNQPVENA[Arg219Trp]EAMQQADDWL

ClinVar aggregate classification (germline): Uncertain significance (1 of 4 stars; one submission).

Conditions:
Myofibrillar myopathy 5. Also called: FILAMINOPATHY, AUTOSOMAL DOMINANT; Filaminopathy (type). Identifiers: Orphanet 171445, MedGen C1836050, MONDO:0012289, OMIM 609524.
Distal myopathy with posterior leg and anterior hand involvement. Also called: WILLIAMS DISTAL MYOPATHY. Identifiers: Orphanet 63273, MedGen C3279722, MONDO:0013550, OMIM 614065.
Hypertrophic cardiomyopathy 26. Also called: Cardiomyopathy, familial hypertrophic, 26. Identifiers: Orphanet 75249, MedGen C4310749, MONDO:0014883, OMIM 617047.

Allele frequency attached by ClinVar (database versions not stated): gnomAD exomes below 0.00001; gnomAD 0.00001; TOPMed 0.00001.

Submission:

Labcorp Genetics (formerly Invitae), Labcorp
Classification: Uncertain significance for Distal myopathy with posterior leg and anterior hand involvement; Myofibrillar myopathy 5; Hypertrophic cardiomyopathy 26. Last evaluated: 2024-06-29. Review status: criteria provided, single submitter. Criteria: Invitae Variant Classification Sherloc (09022015). Collection method: clinical testing. Allele origin: germline.
Comment: This sequence change replaces arginine, which is basic and polar, with tryptophan, which is neutral and slightly polar, at codon 219 of the FLNC protein (p.Arg219Trp). This variant is not present in population databases (gnomAD no frequency). This variant has not been reported in the literature in individuals affected with FLNC-related conditions. ClinVar contains an entry for this variant (Variation ID: 1435553). Advanced modeling of protein sequence and biophysical properties (such as structural, functional, and spatial information, amino acid conservation, physicochemical variation, residue mobility, and thermodynamic stability) has been performed at Invitae for this missense variant, however the output from this modeling did not meet the statistical confidence thresholds required to predict the impact of this variant on FLNC protein function. In summary, the available evidence is currently insufficient to determine the role of this variant in disease. Therefore, it has been classified as a Variant of Uncertain Significance.